The following is an entry in ClinVar:

NM_001009944.3(PKD1):c.9033C>G (p.Tyr3011Ter)

Gene: PKD1 (polycystin 1, transient receptor potential channel interacting; minus strand). Cytogenetic location: 16p13.3.
Variant type: single nucleotide variant.
Coding change: c.9033C>G on transcript NM_001009944.3 (MANE Select); coding-DNA position 9033, C replaced by G.
Protein change: p.Tyr3011Ter; replaces tyrosine 3011 with a stop codon.
Molecular consequence: nonsense.
Genome position (GRCh38, 1-based): chr16:2,102,549, G>C on the plus strand (C>G on the coding strand, the complement: PKD1 is on the minus strand). VCF-style: chr16-2102549-G-C. GRCh37 (hg19) VCF-style: chr16-2152550-G-C.
Other names: c.9033C>G, p.Tyr3011Ter (NM_000296.4); short protein forms Y3011*.
Identifiers: ClinVar variation 994678 (VCV000994678.1), dbSNP rs1408935894, ClinGen allele CA394360811.
Genomic context (GRCh38, chr16:2,102,549, plus strand): 5'-CAGCAGCCCCTCTGTCCGCCACACCATGTCCTCCTCGCTGAAGTACTGGCACAGGGACGT[G>C]TACAGGCCCACGGACACCTGCAGCGCCGACCAGCGGAAGTGGCTGGAGAGGTTCAGATGG-3'

ClinVar aggregate classification (germline): Likely pathogenic (1 of 4 stars; one submission).

Submission:

Athena Diagnostics
Classification: Likely pathogenic. Last evaluated: 2019-10-10. Review status: criteria provided, single submitter. Criteria: Athena Diagnostics Criteria. Collection method: clinical testing. Allele origin: unknown.
Comment: The variant creates a premature nonsense codon, and is therefore predicted to result in the loss of a functional protein. Not found in the total gnomAD dataset, and the data is high quality.